The following is an entry in ClinVar:

ClinVar aggregate classification (germline): Likely benign (1 of 4 stars; one submission).

Conditions:
TTN-related disorder. Also called: TTN-related disorders; TTN-related condition; TTN-related disease.

gnomAD v4.1: 78 of 1,612,424 alleles (0.0048%); highest among the groups gnomAD compares: African/African-American, 0.087%; no homozygotes.

Submission:

PreventionGenetics, part of Exact Sciences
Classification: Likely benign for TTN-related condition. Last evaluated: 2025-11-11. Review status: criteria provided, single submitter. Criteria: ACMG Guidelines, 2015. Collection method: clinical testing. Allele origin: germline.
Comment: This variant is classified as likely benign based on ACMG/AMP sequence variant interpretation guidelines (Richards et al. 2015 PMID: 25741868, with internal and published modifications).

NM_001267550.2(TTN):c.11311+4080G>A

Gene: TTN (titin; minus strand). Cytogenetic location: 2q31.2.
Variant type: single nucleotide variant.
Coding change: c.11311+4080G>A on transcript NM_001267550.2 (MANE Select); 4080 bases into the intron after coding-DNA position 11311, G replaced by A.
Molecular consequence: intron variant. On other transcripts: synonymous variant (1).
Genome position (GRCh38, 1-based): chr2:178,749,044, C>T on the plus strand (G>A on the coding strand, the complement: TTN is on the minus strand). VCF-style: chr2-178749044-C-T. GRCh37 (hg19) VCF-style: chr2-179613771-C-T.
Other names: c.13356G>A, p.Pro4452= (NM_133379.5); c.10222+4080G>A (NM_003319.4); c.10798+4080G>A (NM_133437.4); c.10597+4080G>A (NM_133432.3); c.10360+4080G>A (NM_133378.4, NM_001256850.1).
Identifiers: ClinVar variation 4983178 (VCV004983178.1).